The following is an entry in ClinVar:

ClinVar aggregate classification (germline): Uncertain significance. Review status: criteria provided, multiple submitters, no conflicts (2 of 4 stars). 2 submissions from 2 submitters: Uncertain significance (2). Last evaluated 2023-12-20.

Submissions (2):

Labcorp Genetics (formerly Invitae), Labcorp
Classification: Uncertain significance. Last evaluated: 2023-12-20. Review status: criteria provided, single submitter. Criteria: Invitae Variant Classification Sherloc (09022015). Collection method: clinical testing. Allele origin: germline.
Comment: This sequence change falls in intron 2 of the ADAMTS13 gene. It does not directly change the encoded amino acid sequence of the ADAMTS13 protein. This variant is present in population databases (rs781838309, gnomAD 0.007%). This variant has not been reported in the literature in individuals affected with ADAMTS13-related conditions. ClinVar contains an entry for this variant (Variation ID: 2047317). Algorithms developed to predict the effect of sequence changes on RNA splicing suggest that this variant may disrupt the consensus splice site. In summary, the available evidence is currently insufficient to determine the role of this variant in disease. Therefore, it has been classified as a Variant of Uncertain Significance.

Blueprint Genetics
Classification: Uncertain significance. Last evaluated: 2022-10-12. Review status: criteria provided, single submitter. Criteria: ACMG Guidelines, 2015. Collection method: clinical testing. Allele origin: germline.

NM_139027.6(ADAMTS13):c.173-14_173-3del

Gene: ADAMTS13 (ADAM metallopeptidase with thrombospondin type 1 motif 13; plus strand). Cytogenetic location: 9q34.2.
Variant type: Deletion.
Coding change: c.173-14_173-3del on transcript NM_139027.6 (MANE Select); 14 bases into the intron before coding-DNA position 173 through 3 bases into the intron before coding-DNA position 173, 12 bases deleted (CTCTCCCCCTCC).
Molecular consequence: intron variant.
Genome position (GRCh38, 1-based): chr9:133,424,307-133,424,318, CTCTCCCCCTCC deleted; deleting any 12 consecutive bases within chr9:133,424,303-133,424,318 gives the same sequence; the c. name uses the placement nearest the transcript's 3' end. VCF-style (leftmost placement, unchanged base first): chr9-133424302-TCTCCCTCTCCCC-T. GRCh37 (hg19) VCF-style: chr9-136289422-TCTCCCTCTCCCC-T.
Other names: c.173-14_173-3del (NM_139025.5, NM_139026.6).
Identifiers: ClinVar variation 2047317 (VCV002047317.4), dbSNP rs781838309, ClinGen allele CA200880052.